The following is an entry in ClinVar:

ClinVar aggregate classification (germline): Conflicting classifications of pathogenicity. Review status: criteria provided, conflicting classifications (1 of 4 stars). 2 submissions from 2 submitters: Uncertain significance (1); Likely benign (1). Last evaluated 2023-04-20.

Conditions:
Hereditary cancer-predisposing syndrome. Also called: Neoplastic Syndromes, Hereditary; Tumor predisposition; Hereditary Cancer Syndrome; Hereditary neoplastic syndrome. Identifiers: Orphanet 140162, MedGen C0027672, MeSH D009386, MONDO:0015356.

Submissions (2):

Color Diagnostics, LLC DBA Color Health
Classification: Uncertain significance for Hereditary cancer-predisposing syndrome. Last evaluated: 2023-04-20. Review status: criteria provided, single submitter. Criteria: ACMG Guidelines, 2015. Collection method: clinical testing. Allele origin: germline.
Comment: This missense variant replaces methionine with valine at codon 136 of the PMS2 protein. Computational prediction suggests that this variant may not impact protein structure and function (internally defined REVEL score threshold <= 0.5, PMID: 27666373). To our knowledge, functional studies have not been reported for this variant. This variant has not been reported in individuals affected with PMS2-related disorders in the literature. This variant has not been identified in the general population by the Genome Aggregation Database (gnomAD). The available evidence is insufficient to determine the role of this variant in disease conclusively. Therefore, this variant is classified as a Variant of Uncertain Significance.

Ambry Genetics
Classification: Likely benign for Hereditary cancer-predisposing syndrome. Last evaluated: 2022-04-22. Review status: criteria provided, single submitter. Criteria: Ambry Variant Classification Scheme 2023. Collection method: clinical testing. Allele origin: germline.

NM_000535.7(PMS2):c.406A>G (p.Met136Val)

Gene: PMS2 (PMS1 homolog 2, mismatch repair system component; minus strand). Cytogenetic location: 7p22.1.
Variant type: single nucleotide variant.
Coding change: c.406A>G on transcript NM_000535.7 (MANE Select); coding-DNA position 406, A replaced by G.
Protein change: p.Met136Val; replaces methionine 136 with valine.
Molecular consequence: missense variant. On other transcripts: initiator codon variant (6), 5 prime UTR variant (2), non-coding transcript variant (1).
Genome position (GRCh38, 1-based): chr7:6,002,584, T>C on the plus strand (A>G on the coding strand, the complement: PMS2 is on the minus strand). VCF-style: chr7-6002584-T-C. GRCh37 (hg19) VCF-style: chr7-6042215-T-C.
Other names: c.88A>G, p.Met30Val (NM_001322007.2, NM_001322008.2, NM_001406883.1 and 4 more transcripts); c.1A>G, p.Met1Val (NM_001322009.2, NM_001322010.2, NM_001322013.2 and 25 more transcripts); c.-479A>G (NM_001322011.2, NM_001322012.2); c.406A>G, p.Met136Val (NM_001322014.2, NM_001406884.1, NM_001406886.1 and 8 more transcripts); c.97A>G, p.Met33Val (NM_001322015.2, NM_001406878.1, NM_001406879.1 and 6 more transcripts); c.592A>G, p.Met198Val (NM_001406866.1); c.430A>G, p.Met144Val (NM_001406868.1); short protein forms M198V, M1V, M33V, M144V, M136V, M30V.
Identifiers: ClinVar variation 1737528 (VCV001737528.5), dbSNP rs35690297, ClinGen allele CA153245245.
Genomic context (GRCh38, chr7:6,002,584, plus strand): 5'-TGGTCCCTCTGGGGCGGGGGTAGGGGGTTTTCTGGATAATTTTCCCATTGTGATCAAACA[T>C]CAGTCGAGTTCCAACCTTCGCCGATGCGTGGCAGGTAGAAATGGTGACATCGCTGTGAGA-3'
Protein context (NP_000526.2, residues 126-146): HASAKVGTRL[Met136Val]FDHNGKIIQK